The following is an entry in ClinVar:

NM_004612.4(TGFBR1):c.1385A>G (p.Glu462Gly)

Gene: TGFBR1 (transforming growth factor beta receptor 1; plus strand). Cytogenetic location: 9q22.33.
Variant type: single nucleotide variant.
Coding change: c.1385A>G on transcript NM_004612.4 (MANE Select); coding-DNA position 1385, A replaced by G.
Protein change: p.Glu462Gly; replaces glutamic acid 462 with glycine.
Molecular consequence: missense variant.
Genome position (GRCh38, 1-based): chr9:99,147,783, A>G. VCF-style: chr9-99147783-A-G. GRCh37 (hg19) VCF-style: chr9-101910065-A-G.
Other names: c.1154A>G, p.Glu385Gly (NM_001130916.3); c.1397A>G, p.Glu466Gly (NM_001306210.2); short protein forms E385G, E462G, E466G.
Identifiers: ClinVar variation 1062256 (VCV001062256.9), dbSNP rs2118841118, ClinGen allele CA374233530.
Genomic context (GRCh38, chr9:99,147,783, plus strand): 5'-GAAAAGTTGTTTGTGAACAGAAGTTAAGGCCAAATATCCCAAACAGATGGCAGAGCTGTG[A>G]AGTGAGTATTTCTTTTTGATATTAGGCAATTTTCTAAACTGCTTCTGCTTAGTAAGCAAA-3'
Protein context (NP_004603.1, residues 452-472): PNIPNRWQSC[Glu462Gly]ALRVMAKIMR

ClinVar aggregate classification (germline): Uncertain significance (1 of 4 stars; one submission).

Conditions:
Familial thoracic aortic aneurysm and aortic dissection (TAAD). Also called: Thoracic aortic aneurysms and dissections. Identifiers: Orphanet 91387, MedGen C4707243, MONDO:0019625.

Submission:

Labcorp Genetics (formerly Invitae), Labcorp
Classification: Uncertain significance for Familial thoracic aortic aneurysm and aortic dissection. Last evaluated: 2020-10-26. Review status: criteria provided, single submitter. Criteria: Invitae Variant Classification Sherloc (09022015). Collection method: clinical testing. Allele origin: germline.
Comment: In summary, the available evidence is currently insufficient to determine the role of this variant in disease. Therefore, it has been classified as a Variant of Uncertain Significance. Algorithms developed to predict the effect of sequence changes on RNA splicing suggest that this variant may disrupt the consensus splice site, but this prediction has not been confirmed by published transcriptional studies. Algorithms developed to predict the effect of missense changes on protein structure and function are either unavailable or do not agree on the potential impact of this missense change (SIFT: "Tolerated"; PolyPhen-2: "Probably Damaging"; Align-GVGD: "Class C0"). This variant has not been reported in the literature in individuals with TGFBR1-related conditions. This variant is not present in population databases (ExAC no frequency). This sequence change replaces glutamic acid with glycine at codon 462 of the TGFBR1 protein (p.Glu462Gly). The glutamic acid residue is highly conserved and there is a moderate physicochemical difference between glutamic acid and glycine.